The following is an entry in ClinVar:

ClinVar aggregate classification (germline): Likely benign (0 of 4 stars; one submission).

Conditions:
FAH-related disorder. Also called: FAH-related condition.

Submission:

PreventionGenetics, part of Exact Sciences
Classification: Likely benign for FAH-related condition. Last evaluated: 2022-10-27. Review status: no assertion criteria provided. Collection method: clinical testing. Allele origin: germline.
Comment: This variant is classified as likely benign based on ACMG/AMP sequence variant interpretation guidelines (Richards et al. 2015 PMID: 25741868, with internal and published modifications).

NM_000137.4(FAH):c.360C>T (p.Thr120=)

Genes: FAH (fumarylacetoacetate hydrolase; plus strand), LOC112272621 (Sharpr-MPRA regulatory region 12283; plus strand). Cytogenetic location: 15q25.1.
Variant type: single nucleotide variant.
Coding change: c.360C>T on transcript NM_000137.4 (MANE Select); coding-DNA position 360, C replaced by T.
Protein change: p.Thr120=; no amino-acid change (threonine 120 retained).
Molecular consequence: synonymous variant.
Genome position (GRCh38, 1-based): chr15:80,160,455, C>T. VCF-style: chr15-80160455-C-T. GRCh37 (hg19) VCF-style: chr15-80452797-C-T.
Other names: c.360C>T, p.Thr120= (NM_001374377.1, NM_001374380.1).
Identifiers: ClinVar variation 3051748 (VCV003051748.2), dbSNP rs2505842667, ClinGen allele CA491675824.